The following is an entry in ClinVar:

NM_052876.4(NACC1):c.133C>T (p.Arg45Trp)

Gene: NACC1 (nucleus accumbens associated 1; plus strand). Cytogenetic location: 19p13.13.
Variant type: single nucleotide variant.
Coding change: c.133C>T on transcript NM_052876.4 (MANE Select); coding-DNA position 133, C replaced by T.
Protein change: p.Arg45Trp; replaces arginine 45 with tryptophan.
Molecular consequence: missense variant.
Genome position (GRCh38, 1-based): chr19:13,135,340, C>T. VCF-style: chr19-13135340-C-T. GRCh37 (hg19) VCF-style: chr19-13246154-C-T.
Other names: short protein forms R45W.
Identifiers: ClinVar variation 451782 (VCV000451782.5), dbSNP rs1555722264, ClinGen allele CA404324366.

ClinVar aggregate classification (germline): Conflicting classifications of pathogenicity. Review status: criteria provided, conflicting classifications (1 of 4 stars). 2 submissions from 2 submitters: Likely pathogenic (1); Uncertain significance (1). Last evaluated 2024-05-17.

Conditions:
Neurodevelopmental disorder. Identifiers: MedGen C1535926, MeSH D065886, MONDO:0700092.

Submissions (2):

GeneDx
Classification: Likely pathogenic. Last evaluated: 2024-05-17. Review status: criteria provided, single submitter. Criteria: GeneDx Variant Classification Process June 2021. Collection method: clinical testing. Allele origin: germline. Affected: yes.
Comment: Not observed at significant frequency in large population cohorts (gnomAD); In silico analysis supports that this missense variant has a deleterious effect on protein structure/function; This variant is associated with the following publications: (PMID: 33057194, 35982159)

Laboratory of Molecular Genetics (Pr. Bezieau's lab), CHU de Nantes
Classification: Uncertain significance for Neurodevelopmental disorder. Last evaluated: 2023-11-03. Review status: criteria provided, single submitter. Criteria: ACMG Guidelines, 2015. Collection method: clinical testing. Allele origin: germline. Affected: yes.